The following is an entry in ClinVar:

NM_001267550.2(TTN):c.34119G>A (p.Glu11373=)

Gene: TTN (titin; minus strand). Cytogenetic location: 2q31.2.
Variant type: single nucleotide variant.
Coding change: c.34119G>A on transcript NM_001267550.2 (MANE Select); coding-DNA position 34119, G replaced by A.
Protein change: p.Glu11373=; no amino-acid change (glutamic acid 11373 retained).
Molecular consequence: synonymous variant. On other transcripts: intron variant (3).
Genome position (GRCh38, 1-based): chr2:178,677,793, C>T on the plus strand (G>A on the coding strand, the complement: TTN is on the minus strand). VCF-style: chr2-178677793-C-T. GRCh37 (hg19) VCF-style: chr2-179542520-C-T.
Other names: c.33168G>A, p.Glu11056= (NM_001256850.1); c.30387G>A, p.Glu10129= (NM_133378.4); c.13283-35476G>A (NM_003319.4); c.13859-35476G>A (NM_133437.4); c.13658-35476G>A (NM_133432.3).
Identifiers: ClinVar variation 497130 (VCV000497130.27), dbSNP rs548399416, ClinGen allele CA1998138.

ClinVar aggregate classification (germline): Conflicting classifications of pathogenicity. Review status: criteria provided, conflicting classifications (1 of 4 stars). 7 submissions from 3 submitters: Uncertain significance (4); Benign (2); Likely benign (1). Last evaluated 2024-10-29.

Conditions:
Autosomal recessive limb-girdle muscular dystrophy type 2J (LGMDR10). Also called: Limb-girdle muscular dystrophy, type 2J; MUSCULAR DYSTROPHY, LIMB-GIRDLE, AUTOSOMAL RECESSIVE 10. Identifiers: Orphanet 140922, MedGen C1837342, MONDO:0012127, OMIM 608807.
Dilated cardiomyopathy 1G (CMD1G). Identifiers: Orphanet 154, MedGen C1858763, MONDO:0011400, OMIM 604145.
Tibial muscular dystrophy (TMD). Also called: UDD MYOPATHY; Tibial muscular dystrophy, tardive; Udd Distal Myopathy – Tibial Muscular Dystrophy. Identifiers: Orphanet 609, MedGen C1838244, MONDO:0010870, OMIM 600334.
Myopathy, myofibrillar, 9, with early respiratory failure (MFM9). Also called: Hereditary myopathy with early respiratory failure; EDSTROM MYOPATHY; MYOPATHY, PROXIMAL, WITH EARLY RESPIRATORY MUSCLE INVOLVEMENT; Myopathy, distal, with early respiratory failure, autosomal dominant. Identifiers: Orphanet 178464, Orphanet 34521, MedGen C1863599, MONDO:0011362, OMIM 603689.
Early-onset myopathy with fatal cardiomyopathy (CMYO5). Also called: Salih Myopathy; CONGENITAL MYOPATHY 5 WITH CARDIOMYOPATHY. Identifiers: Orphanet 289377, MedGen C2673677, MONDO:0012714, OMIM 611705. Disease mechanism: loss of function.

Allele frequency attached by ClinVar (database versions not stated): ExAC 0.00002; 1000 Genomes Project 0.00020.

Submissions (7):

Labcorp Genetics (formerly Invitae), Labcorp
Classification: Likely benign for Dilated cardiomyopathy 1G; Autosomal recessive limb-girdle muscular dystrophy type 2J. Last evaluated: 2024-10-29. Review status: criteria provided, single submitter. Criteria: Invitae Variant Classification Sherloc (09022015). Collection method: clinical testing. Allele origin: germline.

Illumina Laboratory Services, Illumina
Classification: Uncertain significance for Early-onset myopathy with fatal cardiomyopathy. Last evaluated: 2018-01-12. Review status: criteria provided, single submitter. Criteria: ICSL Variant Classification Criteria 13 December 2019. Collection method: clinical testing. Allele origin: germline.

Illumina Laboratory Services, Illumina
Classification: Uncertain significance for Dilated cardiomyopathy 1G. Last evaluated: 2018-01-12. Review status: criteria provided, single submitter. Criteria: ICSL Variant Classification Criteria 13 December 2019. Collection method: clinical testing. Allele origin: germline.

Illumina Laboratory Services, Illumina
Classification: Uncertain significance for Autosomal recessive limb-girdle muscular dystrophy type 2J. Last evaluated: 2018-01-12. Review status: criteria provided, single submitter. Criteria: ICSL Variant Classification Criteria 13 December 2019. Collection method: clinical testing. Allele origin: germline.

Illumina Laboratory Services, Illumina
Classification: Benign for Myopathy, myofibrillar, 9, with early respiratory failure. Last evaluated: 2018-01-12. Review status: criteria provided, single submitter. Criteria: ICSL Variant Classification Criteria 13 December 2019. Collection method: clinical testing. Allele origin: germline.
Comment: This variant was observed in the ICSL laboratory as part of a predisposition screen in an ostensibly healthy population. It had not been previously curated by ICSL or reported in the Human Gene Mutation Database (HGMD: prior to June 1st, 2018), and was therefore a candidate for classification through an automated scoring system. Utilizing variant allele frequency, disease prevalence and penetrance estimates, and inheritance mode, an automated score was calculated to assess if this variant is too frequent to cause the disease. Based on the score and internal cut-off values, a variant classified as benign is not then subjected to further curation. The score for this variant resulted in a classification of benign for this disease.

Illumina Laboratory Services, Illumina
Classification: Benign for Tibial muscular dystrophy. Last evaluated: 2018-01-12. Review status: criteria provided, single submitter. Criteria: ICSL Variant Classification Criteria 13 December 2019. Collection method: clinical testing. Allele origin: germline.
Comment: the same text as in the submission from Illumina Laboratory Services, Illumina above.

Eurofins Ntd Llc (ga)
Classification: Uncertain significance. Last evaluated: 2017-05-03. Review status: criteria provided, single submitter. Criteria: EGL Classification Definitions 2015. Collection method: clinical testing. Allele origin: germline. Observed: 2 variant alleles.